The following is an entry in ClinVar:

ClinVar aggregate classification (germline): Uncertain significance (1 of 4 stars; one submission).

Submission:

CeGaT Center for Human Genetics Tuebingen
Classification: Uncertain significance. Last evaluated: 2024-09-01. Review status: criteria provided, single submitter. Criteria: CeGaT Center For Human Genetics Tuebingen Variant Classification Criteria Version 2. Collection method: clinical testing. Allele origin: germline. Affected: yes. Observed: 1 variant allele.
Comment: COL5A2: PM2

NM_000393.5(COL5A2):c.3218C>G (p.Pro1073Arg)

Gene: COL5A2 (collagen type V alpha 2 chain; minus strand). Cytogenetic location: 2q32.2.
Variant type: single nucleotide variant.
Coding change: c.3218C>G on transcript NM_000393.5 (MANE Select); coding-DNA position 3218, C replaced by G.
Protein change: p.Pro1073Arg; replaces proline 1073 with arginine.
Molecular consequence: missense variant.
Genome position (GRCh38, 1-based): chr2:189,045,891, G>C on the plus strand (C>G on the coding strand, the complement: COL5A2 is on the minus strand). VCF-style: chr2-189045891-G-C. GRCh37 (hg19) VCF-style: chr2-189910617-G-C.
Other names: short protein forms P1073R.
Identifiers: ClinVar variation 3388216 (VCV003388216.14).